The following is an entry in ClinVar:

ClinVar aggregate classification (germline): Uncertain significance (1 of 4 stars; one submission).

Conditions:
Inborn genetic diseases. Identifiers: MedGen C0950123, MeSH D030342.

Submission:

Ambry Genetics
Classification: Uncertain significance for Inborn genetic diseases. Last evaluated: 2026-06-08. Review status: criteria provided, single submitter. Criteria: Ambry Variant Classification Scheme 2023. Collection method: clinical testing. Allele origin: germline.
Comment: The p.N449S variant (also known as c.1346A>G), located in coding exon 11 of the CEP57 gene, results from an A to G substitution at nucleotide position 1346. The asparagine at codon 449 is replaced by serine, an amino acid with highly similar properties. This amino acid position is conserved. In addition, this alteration is predicted to be tolerated by in silico analysis. Based on the available evidence, the clinical significance of this variant remains unclear.

NM_014679.5(CEP57):c.1346A>G (p.Asn449Ser)

Gene: CEP57 (centrosomal protein 57; plus strand). Cytogenetic location: 11q21.
Variant type: single nucleotide variant.
Coding change: c.1346A>G on transcript NM_014679.5 (MANE Select); coding-DNA position 1346, A replaced by G.
Protein change: p.Asn449Ser; replaces asparagine 449 with serine.
Molecular consequence: missense variant.
Genome position (GRCh38, 1-based): chr11:95,831,099, A>G. VCF-style: chr11-95831099-A-G. GRCh37 (hg19) VCF-style: chr11-95564263-A-G.
Other names: c.1319A>G, p.Asn440Ser (NM_001243776.2); c.1268A>G, p.Asn423Ser (NM_001243777.2); c.1265A>G, p.Asn422Ser (NM_001363604.2, NM_001440869.1, NM_001440870.1); c.1238A>G, p.Asn413Ser (NM_001440871.1); c.1229A>G, p.Asn410Ser (NM_001440872.1); c.1166A>G, p.Asn389Ser (NM_001440873.1); c.1160A>G, p.Asn387Ser (NM_001440874.1); c.1157A>G, p.Asn386Ser (NM_001440875.1); and 6 more; short protein forms N348S, N350S, N362S, N374S, N383S, N384S, N386S, N387S.
Identifiers: ClinVar variation 4868785 (VCV004868785.1).